The following is an entry in ClinVar:

NM_003978.5(PSTPIP1):c.562+1G>C

Gene: PSTPIP1 (proline-serine-threonine phosphatase interacting protein 1; plus strand). Cytogenetic location: 15q24.3.
Variant type: single nucleotide variant.
Coding change: c.562+1G>C on transcript NM_003978.5 (MANE Select); the canonical splice donor site of the intron after coding-DNA position 562, G replaced by C.
Molecular consequence: splice donor variant.
Genome position (GRCh38, 1-based): chr15:77,029,575, G>C. VCF-style: chr15-77029575-G-C. GRCh37 (hg19) VCF-style: chr15-77321916-G-C.
Other names: c.757+1G>C (NM_001321137.1); c.535+1G>C (NM_001321136.2); c.562+1G>C (NM_001321135.2, NM_001411086.1).
Identifiers: ClinVar variation 4076263 (VCV004076263.1).

ClinVar aggregate classification (germline): Uncertain significance (1 of 4 stars; one submission).

Conditions:
Pyogenic arthritis-pyoderma gangrenosum-acne syndrome (PAPA). Also called: FAMILIAL RECURRENT ARTHRITIS; PAPA SYNDROME. Identifiers: Orphanet 69126, MedGen C1858361, MONDO:0011462, OMIM 604416.

Submission:

Laboratorio de Genetica e Diagnostico Molecular, Hospital Israelita Albert Einstein
Classification: Uncertain significance for Pyogenic arthritis-pyoderma gangrenosum-acne syndrome. Last evaluated: 2024-12-20. Review status: criteria provided, single submitter. Criteria: ACMG Guidelines, 2015. Collection method: clinical testing. Allele origin: germline. Affected: yes.
Comment: ACMG classification criteria: PM2 supporting